The following is an entry in ClinVar:

NM_004963.4(GUCY2C):c.1750T>A (p.Phe584Ile)

Gene: GUCY2C (guanylate cyclase 2C; minus strand). Cytogenetic location: 12p12.3.
Variant type: single nucleotide variant.
Coding change: c.1750T>A on transcript NM_004963.4 (MANE Select); coding-DNA position 1750, T replaced by A.
Protein change: p.Phe584Ile; replaces phenylalanine 584 with isoleucine.
Molecular consequence: missense variant.
Genome position (GRCh38, 1-based): chr12:14,645,276, A>T on the plus strand (T>A on the coding strand, the complement: GUCY2C is on the minus strand). VCF-style: chr12-14645276-A-T. GRCh37 (hg19) VCF-style: chr12-14798210-A-T.
Other names: short protein forms F584I.
Identifiers: ClinVar variation 2630201 (VCV002630201.1), dbSNP rs2497693727, ClinGen allele CA383986920.

ClinVar aggregate classification (germline): Uncertain significance (1 of 4 stars; one submission).

Conditions:
GUCY2C-related disorder. Also called: GUCY2C-related condition.

Submission:

PreventionGenetics, part of Exact Sciences
Classification: Uncertain significance for GUCY2C-related condition. Last evaluated: 2023-02-14. Review status: criteria provided, single submitter. Criteria: ACMG Guidelines, 2015. Collection method: clinical testing. Allele origin: germline.
Comment: The GUCY2C c.1750T>A variant is predicted to result in the amino acid substitution p.Phe584Ile. To our knowledge, this variant has not been reported in the literature or in a large population database, indicating this variant is rare. At this time, the clinical significance of this variant is uncertain due to the absence of conclusive functional and genetic evidence.